The following is an entry in ClinVar:

ClinVar aggregate classification (germline): Uncertain significance (1 of 4 stars; one submission).

Conditions:
Ataxia-telangiectasia-like disorder (ATLD). Identifiers: MedGen C1858391, MONDO:0011457.

Allele frequency attached by ClinVar (database versions not stated): gnomAD exomes below 0.00001.
gnomAD v4.1: 2 of 1,613,062 alleles (0.00012%); highest among the groups gnomAD compares: South Asian, 0.0011%; no homozygotes.

Submission:

Labcorp Genetics (formerly Invitae), Labcorp
Classification: Uncertain significance for Ataxia-telangiectasia-like disorder. Last evaluated: 2022-01-05. Review status: criteria provided, single submitter. Criteria: Invitae Variant Classification Sherloc (09022015). Collection method: clinical testing. Allele origin: germline.
Comment: In summary, the available evidence is currently insufficient to determine the role of this variant in disease. Therefore, it has been classified as a Variant of Uncertain Significance. Algorithms developed to predict the effect of missense changes on protein structure and function are either unavailable or do not agree on the potential impact of this missense change (SIFT: "Deleterious"; PolyPhen-2: "Benign"; Align-GVGD: "Class C0"). This variant has not been reported in the literature in individuals affected with MRE11-related conditions. This variant is present in population databases (no rsID available, gnomAD 0.003%). This sequence change replaces arginine, which is basic and polar, with glycine, which is neutral and non-polar, at codon 505 of the MRE11 protein (p.Arg505Gly).

NM_005591.4(MRE11):c.1513A>G (p.Arg505Gly)

Gene: MRE11 (MRE11 double strand break repair nuclease; minus strand). Cytogenetic location: 11q21.
Variant type: single nucleotide variant.
Coding change: c.1513A>G on transcript NM_005591.4 (MANE Select); coding-DNA position 1513, A replaced by G.
Protein change: p.Arg505Gly; replaces arginine 505 with glycine.
Molecular consequence: missense variant.
Genome position (GRCh38, 1-based): chr11:94,456,326, T>C on the plus strand (A>G on the coding strand, the complement: MRE11 is on the minus strand). VCF-style: chr11-94456326-T-C. GRCh37 (hg19) VCF-style: chr11-94189492-T-C.
Other names: c.1513A>G, p.Arg505Gly (NM_001330347.2, NM_005590.4); short protein forms R505G.
Identifiers: ClinVar variation 2075002 (VCV002075002.4), dbSNP rs1208686114, ClinGen allele CA382370842.